The following is an entry in ClinVar:

NM_004380.3(CREBBP):c.6664G>A (p.Ala2222Thr)

Gene: CREBBP (CREB binding lysine acetyltransferase; minus strand). Cytogenetic location: 16p13.3.
Variant type: single nucleotide variant.
Coding change: c.6664G>A on transcript NM_004380.3 (MANE Select); coding-DNA position 6664, G replaced by A.
Protein change: p.Ala2222Thr; replaces alanine 2222 with threonine.
Molecular consequence: missense variant.
Genome position (GRCh38, 1-based): chr16:3,728,383, C>T on the plus strand (G>A on the coding strand, the complement: CREBBP is on the minus strand). VCF-style: chr16-3728383-C-T. GRCh37 (hg19) VCF-style: chr16-3778384-C-T.
Other names: c.6550G>A, p.Ala2184Thr (NM_001079846.1); short protein forms A2222T, A2184T.
Identifiers: ClinVar variation 2117883 (VCV002117883.4), dbSNP rs1596782515, ClinGen allele CA394552203.

ClinVar aggregate classification (germline): Uncertain significance (1 of 4 stars; one submission).

Conditions:
Rubinstein-Taybi syndrome (RSTS). Identifiers: Orphanet 783, MedGen C0035934, MONDO:0019188.

gnomAD v4.1: 1 of 1,613,614 alleles (0.000062%); highest among the groups gnomAD compares: African/African-American, 0.0013%; no homozygotes.

Submission:

Labcorp Genetics (formerly Invitae), Labcorp
Classification: Uncertain significance for Rubinstein-Taybi syndrome. Last evaluated: 2022-04-07. Review status: criteria provided, single submitter. Criteria: Invitae Variant Classification Sherloc (09022015). Collection method: clinical testing. Allele origin: germline.
Comment: In summary, the available evidence is currently insufficient to determine the role of this variant in disease. Therefore, it has been classified as a Variant of Uncertain Significance. Advanced modeling of protein sequence and biophysical properties (such as structural, functional, and spatial information, amino acid conservation, physicochemical variation, residue mobility, and thermodynamic stability) performed at Invitae indicates that this missense variant is not expected to disrupt CREBBP protein function. This variant has not been reported in the literature in individuals affected with CREBBP-related conditions. This variant is not present in population databases (gnomAD no frequency). This sequence change replaces alanine, which is neutral and non-polar, with threonine, which is neutral and polar, at codon 2222 of the CREBBP protein (p.Ala2222Thr).